The following is an entry in ClinVar:

ClinVar aggregate classification (germline): Uncertain significance (1 of 4 stars; one submission).

Conditions:
Basal ganglia calcification, idiopathic, 4 (PFBC4). Also called: PRIMARY FAMILIAL BRAIN CALCIFICATION 4, AUTOSOMAL DOMINANT; Familial Idiopathic Basal Ganglia Calcification 4. Identifiers: Orphanet 1980, MedGen C3554321, MONDO:0014004, OMIM 615007.

gnomAD v4.1: 3 of 1,610,048 alleles (0.00019%); highest among the groups gnomAD compares: South Asian, 0.0011%; no homozygotes.

Submission:

Centre for Mendelian Genomics, University Medical Centre Ljubljana
Classification: Uncertain significance for Basal ganglia calcification, idiopathic, 4. Last evaluated: 2019-05-09. Review status: criteria provided, single submitter. Criteria: ACMG Guidelines, 2015. Collection method: clinical testing. Allele origin: unknown. Affected: yes.
Comment: This variant was classified as: Uncertain significance. The available evidence on this variant's pathogenicity is insufficient or conflicting. The following ACMG criteria were applied in classifying this variant: PM2,BP4.

NM_002609.4(PDGFRB):c.2402T>C (p.Met801Thr)

Gene: PDGFRB (platelet derived growth factor receptor beta; minus strand). Cytogenetic location: 5q32.
Variant type: single nucleotide variant.
Coding change: c.2402T>C on transcript NM_002609.4 (MANE Select); coding-DNA position 2402, T replaced by C.
Protein change: p.Met801Thr; replaces methionine 801 with threonine.
Molecular consequence: missense variant.
Genome position (GRCh38, 1-based): chr5:150,121,265, A>G on the plus strand (T>C on the coding strand, the complement: PDGFRB is on the minus strand). VCF-style: chr5-150121265-A-G. GRCh37 (hg19) VCF-style: chr5-149500828-A-G.
Other names: c.1919T>C, p.Met640Thr (NM_001355017.2); c.2210T>C, p.Met737Thr (NM_001355016.2); short protein forms M640T, M801T, M737T.
Identifiers: ClinVar variation 932040 (VCV000932040.3), dbSNP rs1760125256, ClinGen allele CA361761179.